The following is an entry in ClinVar:

NM_006258.4(PRKG1):c.1405G>A (p.Gly469Ser)

Gene: PRKG1 (protein kinase cGMP-dependent 1; plus strand). Cytogenetic location: 10q21.1.
Variant type: single nucleotide variant.
Coding change: c.1405G>A on transcript NM_006258.4 (MANE Select); coding-DNA position 1405, G replaced by A.
Protein change: p.Gly469Ser; replaces glycine 469 with serine.
Molecular consequence: missense variant.
Genome position (GRCh38, 1-based): chr10:52,280,790, G>A. VCF-style: chr10-52280790-G-A. GRCh37 (hg19) VCF-style: chr10-54040550-G-A.
Other names: c.1360G>A, p.Gly454Ser (NM_001098512.3); c.196G>A, p.Gly66Ser (NM_001374781.1); short protein forms G454S, G469S, G66S.
Identifiers: ClinVar variation 1771892 (VCV001771892.3), dbSNP rs531873371, ClinGen allele CA5503856.

ClinVar aggregate classification (germline): Uncertain significance. Review status: criteria provided, multiple submitters, no conflicts (2 of 4 stars). 2 submissions from 2 submitters: Uncertain significance (2). Last evaluated 2026-03-20.

Conditions:
Familial thoracic aortic aneurysm and aortic dissection (TAAD). Also called: Thoracic aortic aneurysms and dissections. Identifiers: Orphanet 91387, MedGen C4707243, MONDO:0019625.

Allele frequency attached by ClinVar (database versions not stated): gnomAD exomes below 0.00001; 1000 Genomes Project 30x 0.00016; 1000 Genomes Project 0.00020; ExAC 0.00002; gnomAD 0.00005; TOPMed 0.00008.
gnomAD v4.1: 15 of 1,612,358 alleles (0.00093%); highest among the groups gnomAD compares: African/African-American, 0.017%; no homozygotes.

Submissions (2):

Women's Health and Genetics/Laboratory Corporation of America, LabCorp
Classification: Uncertain significance. Last evaluated: 2026-03-20. Review status: criteria provided, single submitter. Criteria: LabCorp Variant Classification Summary - May 2015. Collection method: clinical testing. Allele origin: germline.

Ambry Genetics
Classification: Uncertain significance for Familial thoracic aortic aneurysm and aortic dissection. Last evaluated: 2022-03-09. Review status: criteria provided, single submitter. Criteria: Ambry Variant Classification Scheme 2023. Collection method: clinical testing. Allele origin: germline.
Comment: The p.G469S variant (also known as c.1405G>A), located in coding exon 13 of the PRKG1 gene, results from a G to A substitution at nucleotide position 1405. The glycine at codon 469 is replaced by serine, an amino acid with similar properties. This amino acid position is conserved. In addition, this alteration is predicted to be tolerated by in silico analysis. Since supporting evidence is limited at this time, the clinical significance of this alteration remains unclear.